The following is an entry in ClinVar:

ClinVar aggregate classification (germline): Uncertain significance. Review status: criteria provided, multiple submitters, no conflicts (2 of 4 stars). 3 submissions from 3 submitters: Uncertain significance (3). Last evaluated 2025-02-18.

Conditions:
Inborn genetic diseases. Identifiers: MedGen C0950123, MeSH D030342.

Allele frequency attached by ClinVar (database versions not stated): gnomAD exomes below 0.00001; TOPMed below 0.00001; ExAC 0.00001.
gnomAD v4.1: 9 of 1,609,734 alleles (0.00056%); highest among the groups gnomAD compares: East Asian, 0.0022%; no homozygotes.

Submissions (3):

Labcorp Genetics (formerly Invitae), Labcorp
Classification: Uncertain significance. Last evaluated: 2025-02-18. Review status: criteria provided, single submitter. Criteria: Invitae Variant Classification Sherloc (09022015). Collection method: clinical testing. Allele origin: germline.
Comment: This sequence change replaces glycine, which is neutral and non-polar, with cysteine, which is neutral and slightly polar, at codon 921 of the OPA1 protein (p.Gly921Cys). This variant is present in population databases (rs752986280, gnomAD 0.0009%). This variant has not been reported in the literature in individuals affected with OPA1-related conditions. ClinVar contains an entry for this variant (Variation ID: 1520394). Invitae Evidence Modeling of protein sequence and biophysical properties (such as structural, functional, and spatial information, amino acid conservation, physicochemical variation, residue mobility, and thermodynamic stability) indicates that this missense variant is not expected to disrupt OPA1 protein function with a negative predictive value of 80%. In summary, the available evidence is currently insufficient to determine the role of this variant in disease. Therefore, it has been classified as a Variant of Uncertain Significance.

Ambry Genetics
Classification: Uncertain significance for Inborn genetic diseases. Last evaluated: 2024-11-25. Review status: criteria provided, single submitter. Criteria: Ambry Variant Classification Scheme 2023. Collection method: clinical testing. Allele origin: germline.

Blueprint Genetics
Classification: Uncertain significance. Last evaluated: 2019-06-26. Review status: criteria provided, single submitter. Criteria: ACMG Guidelines, 2015. Collection method: clinical testing. Allele origin: germline.

NM_130837.3(OPA1):c.2926G>T (p.Gly976Cys)

Gene: OPA1 (OPA1 mitochondrial dynamin like GTPase; plus strand). Cytogenetic location: 3q29.
Variant type: single nucleotide variant.
Coding change: c.2926G>T on transcript NM_130837.3 (MANE Select); coding-DNA position 2926, G replaced by T.
Protein change: p.Gly976Cys; replaces glycine 976 with cysteine.
Molecular consequence: missense variant.
Genome position (GRCh38, 1-based): chr3:193,667,223, G>T. VCF-style: chr3-193667223-G-T. GRCh37 (hg19) VCF-style: chr3-193385012-G-T.
Other names: c.2392G>T, p.Gly798Cys (NM_001354663.2); c.2389G>T, p.Gly797Cys (NM_001354664.2); c.2761G>T, p.Gly921Cys (NM_015560.3); c.2653G>T, p.Gly885Cys (NM_130831.3); c.2707G>T, p.Gly903Cys (NM_130832.3); c.2764G>T, p.Gly922Cys (NM_130833.3); c.2815G>T, p.Gly939Cys (NM_130834.3); c.2818G>T, p.Gly940Cys (NM_130835.3); and 2 more; short protein forms G797C, G958C, G921C, G940C, G939C, G976C, G798C, G885C.
Identifiers: ClinVar variation 1520394 (VCV001520394.8), dbSNP rs752986280, ClinGen allele CA2759782.
Genomic context (GRCh38, chr3:193,667,223, plus strand): 5'-TAAACAGTTAGGCGATTAGAGAAAAATGTTAAAGAGGTATTGGAAGATTTTGCTGAAGAT[G>T]GTGAGAAGAAGATTAAATTGCTTACTGGTAAACGCGTTCAACTGGCGGAAGACCTCAGTG-3'
Protein context (NP_570850.2, residues 966-986): KEVLEDFAED[Gly976Cys]EKKIKLLTGK